The following is an entry in ClinVar:

ClinVar aggregate classification (germline): Likely benign (1 of 4 stars; one submission).

gnomAD v4.1: 63 of 1,537,024 alleles (0.0041%); highest among the groups gnomAD compares: East Asian, 0.0098%; no homozygotes.

Submission:

CeGaT Center for Human Genetics Tuebingen
Classification: Likely benign. Last evaluated: 2025-07-01. Review status: criteria provided, single submitter. Criteria: CeGaT Center For Human Genetics Tuebingen Variant Classification Criteria Version 2. Collection method: clinical testing. Allele origin: germline. Affected: yes. Observed: 1 variant allele.
Comment: RNF213: BP4, BP7

NM_001256071.3(RNF213):c.3615G>A (p.Ser1205=)

Gene: RNF213 (ring finger protein 213; plus strand). Cytogenetic location: 17q25.3.
Variant type: single nucleotide variant.
Coding change: c.3615G>A on transcript NM_001256071.3 (MANE Select); coding-DNA position 3615, G replaced by A.
Protein change: p.Ser1205=; no amino-acid change (serine 1205 retained).
Molecular consequence: synonymous variant.
Genome position (GRCh38, 1-based): chr17:80,332,103, G>A. VCF-style: chr17-80332103-G-A. GRCh37 (hg19) VCF-style: chr17-78305903-G-A.
Other names: c.3762G>A, p.Ser1254= (NM_001410195.1, NM_020914.5).
Identifiers: ClinVar variation 4083844 (VCV004083844.8).